The following is an entry in ClinVar:

NM_001278716.2(FBXL4):c.1546C>T (p.Pro516Ser)

Gene: FBXL4 (F-box and leucine rich repeat protein 4; minus strand). Cytogenetic location: 6q16.1.
Variant type: single nucleotide variant.
Coding change: c.1546C>T on transcript NM_001278716.2 (MANE Select); coding-DNA position 1546, C replaced by T.
Protein change: p.Pro516Ser; replaces proline 516 with serine.
Molecular consequence: missense variant. On other transcripts: non-coding transcript variant (1).
Genome position (GRCh38, 1-based): chr6:98,875,571, G>A on the plus strand (C>T on the coding strand, the complement: FBXL4 is on the minus strand). VCF-style: chr6-98875571-G-A. GRCh37 (hg19) VCF-style: chr6-99323447-G-A.
Other names: c.1546C>T, p.Pro516Ser (NM_012160.5); short protein forms P516S.
Identifiers: ClinVar variation 437768 (VCV000437768.3), dbSNP rs145806027, ClinGen allele CA3933426.
Genomic context (GRCh38, chr6:98,875,571, plus strand): 5'-GCAAGTTTGGGAGCTGGTGTGCCAGTCTGGTGAAGCACCCGGTGCTGCTCTGCAGAGTTG[G>A]GCACCAGCCAAGGTCAAGCTCCTCCAGTAGTGGACACCCAGAAGCCAGTTCTGCTATTCC-3'
Protein context (NP_001265645.1, residues 506-526): LLEELDLGWC[Pro516Ser]TLQSSTGCFT

ClinVar aggregate classification (germline): Uncertain significance. Review status: criteria provided, multiple submitters, no conflicts (2 of 4 stars). 2 submissions from 2 submitters: Uncertain significance (2). Last evaluated 2022-05-27.

Conditions:
Mitochondrial DNA depletion syndrome 13. Also called: FBXL4-Related Encephalomyopathic Mitochondrial DNA Depletion Syndrome; Mitochondrial DNA depletion syndrome 13 (encephalomyopathic type). Identifiers: Orphanet 369897, MedGen C3809592, MONDO:0014198, OMIM 615471.

Allele frequency attached by ClinVar (database versions not stated): gnomAD exomes 0.00001 and 0.00002; ExAC 0.00003; TOPMed 0.00006; ESP Exome Variant Server 0.00008; gnomAD 0.00008 and 0.00009.

Submissions (2):

Labcorp Genetics (formerly Invitae), Labcorp
Classification: Uncertain significance. Last evaluated: 2022-05-27. Review status: criteria provided, single submitter. Criteria: Invitae Variant Classification Sherloc (09022015). Collection method: clinical testing. Allele origin: germline.
Comment: This sequence change replaces proline, which is neutral and non-polar, with serine, which is neutral and polar, at codon 516 of the FBXL4 protein (p.Pro516Ser). This variant is present in population databases (rs145806027, gnomAD 0.008%). This variant has not been reported in the literature in individuals affected with FBXL4-related conditions. ClinVar contains an entry for this variant (Variation ID: 437768). Advanced modeling of protein sequence and biophysical properties (such as structural, functional, and spatial information, amino acid conservation, physicochemical variation, residue mobility, and thermodynamic stability) performed at Invitae indicates that this missense variant is not expected to disrupt FBXL4 protein function. In summary, the available evidence is currently insufficient to determine the role of this variant in disease. Therefore, it has been classified as a Variant of Uncertain Significance.

Wong Mito Lab, Molecular and Human Genetics, Baylor College of Medicine
Classification: Uncertain significance for Mitochondrial DNA depletion syndrome 13. Last evaluated: 2017-08-10. Review status: criteria provided, single submitter. Criteria: ACMG Guidelines, 2015. Collection method: reference population. Allele origin: germline.
Comment: The NM_012160.4:c.1546C>T (NP_036292.2:p.Pro516Ser) [GRCH38: NC_000006.12:g.98875571G>A] variant in FBXL4 gene is interpretated to be a Uncertain Significance - Conflicting Evidence based on ACMG guidelines (PMID: 25741868). This variant meets one or more of the following evidence codes reported in the ACMG-guideline. PM2:This variant is absent in key population databases. BP4:Computational evidence/predictors indicate no impact on the FBXL4 structure, function, or protein-protein interaction. Based on this evidence code ClinGen Pathogenicity Calculator (PMID:28081714) suggested that the variant is Uncertain Significance - Conflicting Evidence.